The following is an entry in ClinVar:

ClinVar aggregate classification (germline): Pathogenic/Likely pathogenic. Review status: criteria provided, multiple submitters, no conflicts (2 of 4 stars). 4 submissions from 4 submitters: Pathogenic (2); Likely pathogenic (1). 1 of the submissions does not count toward it. Last evaluated 2026-01-06.

Conditions:
Glycogen storage disease type III (GSD3). Also called: FORBES DISEASE; Cori disease. Identifiers: Orphanet 366, MedGen C0017922, MONDO:0009291, OMIM 232400.

Allele frequency attached by ClinVar (database versions not stated): gnomAD 0.00001; gnomAD exomes below 0.00001; TOPMed below 0.00001.

Submissions (4):

Labcorp Genetics (formerly Invitae), Labcorp
Classification: Pathogenic for Glycogen storage disease type III. Last evaluated: 2026-01-06. Review status: criteria provided, single submitter. Criteria: Invitae Variant Classification Sherloc (09022015). Collection method: clinical testing. Allele origin: germline.
Comment: This sequence change creates a premature translational stop signal (p.Arg8Glufs*5) in the AGL gene. It is expected to result in an absent or disrupted protein product. Loss-of-function variants in AGL are known to be pathogenic (PMID: 19299494). This variant is present in population databases (no rsID available, gnomAD 0.007%). This variant has not been reported in the literature in individuals affected with AGL-related conditions. ClinVar contains an entry for this variant (Variation ID: 557911). For these reasons, this variant has been classified as Pathogenic.

Natera, Inc.
Classification: Likely pathogenic for Glycogen storage disease type III. Last evaluated: 2025-05-05. Review status: criteria provided, single submitter. Criteria: Natera Variant Classification Schema (03/2026). Collection method: clinical testing. Allele origin: germline.
Comment: The c.22delC variant in AGL is a frameshift variant predicted to shift the reading frame beginning at codon 8 and leads to a stop codon 5 codons downstream. This variant is expected to result in nonsense mediated decay, truncation, or a dysfunctional protein product. This variant is rare in the general population with a frequency below the threshold expected for the associated phenotype(s). Given the available evidence, this variant is classified as Likely Pathogenic.

Genome-Nilou Lab
Classification: Pathogenic for Glycogen storage disease type III. Last evaluated: 2021-07-15. Review status: criteria provided, single submitter. Criteria: ACMG Guidelines, 2015. Collection method: clinical testing. Allele origin: germline. Affected: no.

Counsyl
Classification: Likely pathogenic for Glycogen storage disease type III. Last evaluated: 2018-04-20. Review status: no assertion criteria provided. Collection method: clinical testing. Allele origin: unknown. Not counted in ClinVar's aggregate classification.

Literature cited by the submitters: PubMed 19299494 (cited by Labcorp Genetics (formerly Invitae), Labcorp).

NM_000642.3(AGL):c.22del (p.Arg8fs)

Gene: AGL (amylo-alpha-1,6-glucosidase and 4-alpha-glucanotransferase; plus strand). Cytogenetic location: 1p21.2.
Variant type: Deletion.
Coding change: c.22del on transcript NM_000642.3 (MANE Select); coding-DNA position 22, one base deleted (C; older notation c.22delC).
Protein change: p.Arg8fs; shifts the reading frame from arginine 8.
Molecular consequence: frameshift variant.
Genome position (GRCh38, 1-based): chr1:99,851,064, C deleted. VCF-style (leftmost placement, unchanged base first): chr1-99851063-TC-T. GRCh37 (hg19) VCF-style: chr1-100316619-TC-T.
Other names: c.22del (NM_000642.2); c.22delC (NM_000642.3); c.22delC, p.Arg8Glufs (NM_000028.3, NM_000643.3, NM_000644.3 and 6 more transcripts); c.-170delC (NM_000646.3); short protein forms R8fs.
Identifiers: ClinVar variation 557911 (VCV000557911.17), dbSNP rs1215043175, ClinGen allele CA524716682.